The following is an entry in ClinVar:

ClinVar aggregate classification (germline): Uncertain significance. Review status: criteria provided, multiple submitters, no conflicts (2 of 4 stars). 2 submissions from 2 submitters: Uncertain significance (2). Last evaluated 2025-01-21.

Allele frequency attached by ClinVar (database versions not stated): ExAC 0.00003; gnomAD 0.00006; ESP Exome Variant Server 0.00008; TOPMed 0.00009; gnomAD exomes 0.00013; 1000 Genomes Project 30x 0.00016; 1000 Genomes Project 0.00020.
gnomAD v4.1: 190 of 1,613,832 alleles (0.012%); highest among the groups gnomAD compares: Non-Finnish European, 0.015%; no homozygotes.

Submissions (2):

Ambry Genetics
Classification: Uncertain significance. Last evaluated: 2025-01-21. Review status: criteria provided, single submitter. Criteria: Ambry Variant Classification Scheme 2023. Collection method: clinical testing. Allele origin: germline.

Labcorp Genetics (formerly Invitae), Labcorp
Classification: Uncertain significance. Last evaluated: 2022-02-09. Review status: criteria provided, single submitter. Criteria: Invitae Variant Classification Sherloc (09022015). Collection method: clinical testing. Allele origin: germline.
Comment: This sequence change replaces tryptophan, which is neutral and slightly polar, with arginine, which is basic and polar, at codon 130 of the TMPRSS15 protein (p.Trp130Arg). This variant is present in population databases (rs143461162, gnomAD 0.02%). This variant has not been reported in the literature in individuals affected with TMPRSS15-related conditions. Algorithms developed to predict the effect of missense changes on protein structure and function are either unavailable or do not agree on the potential impact of this missense change (SIFT: "Not Available"; PolyPhen-2: "Benign"; Align-GVGD: "Not Available"). In summary, the available evidence is currently insufficient to determine the role of this variant in disease. Therefore, it has been classified as a Variant of Uncertain Significance.

NM_002772.3(TMPRSS15):c.388T>C (p.Trp130Arg)

Gene: TMPRSS15 (transmembrane serine protease 15; minus strand). Cytogenetic location: 21q21.1.
Variant type: single nucleotide variant.
Coding change: c.388T>C on transcript NM_002772.3 (MANE Select); coding-DNA position 388, T replaced by C.
Protein change: p.Trp130Arg; replaces tryptophan 130 with arginine.
Molecular consequence: missense variant.
Genome position (GRCh38, 1-based): chr21:18,383,735, A>G on the plus strand (T>C on the coding strand, the complement: TMPRSS15 is on the minus strand). VCF-style: chr21-18383735-A-G. GRCh37 (hg19) VCF-style: chr21-19756052-A-G.
Other names: c.388T>C (NM_002772.2); short protein forms W130R.
Identifiers: ClinVar variation 2190656 (VCV002190656.3), dbSNP rs143461162, ClinGen allele CA9984769.
Genomic context (GRCh38, chr21:18,383,735, plus strand): 5'-TGGATTTATTTGCTTCAAGGCCTTGAATCAGTTCTTCTTTTACATTTTCATCTGACACCC[A>G]CTGGGCAAAGAAAAGGTCAAATACGACTATAATGCTGCCATTTCTGCAAAGCAAAAGAGG-3'
Protein context (NP_002763.3, residues 120-140): IVVFDLFFAQ[Trp130Arg]VSDENVKEEL